The following is an entry in ClinVar:

NM_025144.4(ALPK1):c.1694G>A (p.Gly565Asp)

Gene: ALPK1 (alpha kinase 1; plus strand). Cytogenetic location: 4q25.
Variant type: single nucleotide variant.
Coding change: c.1694G>A on transcript NM_025144.4 (MANE Select); coding-DNA position 1694, G replaced by A.
Protein change: p.Gly565Asp; replaces glycine 565 with aspartic acid.
Molecular consequence: missense variant.
Genome position (GRCh38, 1-based): chr4:112,431,241, G>A. VCF-style: chr4-112431241-G-A. GRCh37 (hg19) VCF-style: chr4-113352397-G-A.
Other names: c.1694G>A, p.Gly565Asp (NM_001102406.2); c.1460G>A, p.Gly487Asp (NM_001253884.2); short protein forms G487D, G565D.
Identifiers: ClinVar variation 1264009 (VCV001264009.9), dbSNP rs2074388, ClinGen allele CA3046781.

ClinVar aggregate classification (germline): Benign. Review status: criteria provided, multiple submitters, no conflicts (2 of 4 stars). 4 submissions from 4 submitters: Benign (4). Last evaluated 2026-02-04.

Allele frequency attached by ClinVar (database versions not stated): gnomAD exomes 0.62498 and 0.61588; 1000 Genomes Project 0.62740; gnomAD 0.64785 and 0.65279; ESP Exome Variant Server 0.65385; 1000 Genomes Project 30x 0.63086; TOPMed 0.64656; ExAC 0.62205.
gnomAD v4.1: 1,012,237 of 1,613,926 alleles (63%); highest among the groups gnomAD compares: African/African-American, 71%; 318,721 homozygotes.

Submissions (4):

Labcorp Genetics (formerly Invitae), Labcorp
Classification: Benign. Last evaluated: 2026-02-04. Review status: criteria provided, single submitter. Criteria: Invitae Variant Classification Sherloc (09022015). Collection method: clinical testing. Allele origin: germline.

Women's Health and Genetics/Laboratory Corporation of America, LabCorp
Classification: Benign. Last evaluated: 2026-01-21. Review status: criteria provided, single submitter. Criteria: LabCorp Variant Classification Summary - May 2015. Collection method: clinical testing. Allele origin: germline.

GeneDx
Classification: Benign. Last evaluated: 2018-08-02. Review status: criteria provided, single submitter. Criteria: GeneDx Variant Classification Process June 2021. Collection method: clinical testing. Allele origin: germline. Affected: yes.
Comment: This variant is associated with the following publications: (PMID: 24649057)

Breakthrough Genomics
Classification: Benign. Review status: criteria provided, single submitter. Criteria: ACMG Guidelines, 2015. Collection method: not provided. Allele origin: germline. Inheritance: Autosomal dominant inheritance. Affected: yes.